The following is an entry in ClinVar:

NM_001385012.1(NBEA):c.1685C>T (p.Ser562Leu)

Gene: NBEA (neurobeachin; plus strand). Cytogenetic location: 13q13.3.
Variant type: single nucleotide variant.
Coding change: c.1685C>T on transcript NM_001385012.1 (MANE Select); coding-DNA position 1685, C replaced by T.
Protein change: p.Ser562Leu; replaces serine 562 with leucine.
Molecular consequence: missense variant.
Genome position (GRCh38, 1-based): chr13:35,109,294, C>T. VCF-style: chr13-35109294-C-T. GRCh37 (hg19) VCF-style: chr13-35683431-C-T.
Other names: c.1685C>T, p.Ser562Leu (NM_001379245.1, NM_015678.5); short protein forms S562L.
Identifiers: ClinVar variation 2302067 (VCV002302067.2), dbSNP rs2503041468, ClinGen allele CA387830623.

ClinVar aggregate classification (germline): Uncertain significance (1 of 4 stars; one submission).

Conditions:
Inborn genetic diseases. Identifiers: MedGen C0950123, MeSH D030342.

Submission:

Ambry Genetics
Classification: Uncertain significance for Inborn genetic diseases. Last evaluated: 2022-08-22. Review status: criteria provided, single submitter. Criteria: Ambry Variant Classification Scheme 2023. Collection method: clinical testing. Allele origin: germline.
Comment: The c.1685C>T (p.S562L) alteration is located in exon 12 (coding exon 12) of the NBEA gene. This alteration results from a C to T substitution at nucleotide position 1685, causing the serine (S) at amino acid position 562 to be replaced by a leucine (L). This variant was not reported in population-based cohorts in the Genome Aggregation Database (gnomAD). This amino acid position is highly conserved in available vertebrate species. This alteration is predicted to be tolerated by in silico analysis. Based on insufficient or conflicting evidence, the clinical significance of this alteration remains unclear.